The following is an entry in ClinVar:

ClinVar aggregate classification (germline): Uncertain significance (1 of 4 stars; one submission).

Allele frequency attached by ClinVar (database versions not stated): ExAC 0.00003; TOPMed 0.00007; ESP Exome Variant Server 0.00008; 1000 Genomes Project 0.00060; 1000 Genomes Project 30x 0.00062.
gnomAD v4.1: 16 of 1,588,326 alleles (0.001%); highest among the groups gnomAD compares: African/African-American, 0.019%; no homozygotes.

Submission:

Labcorp Genetics (formerly Invitae), Labcorp
Classification: Uncertain significance. Last evaluated: 2025-03-05. Review status: criteria provided, single submitter. Criteria: Invitae Variant Classification Sherloc (09022015). Collection method: clinical testing. Allele origin: germline.
Comment: This sequence change falls in intron 25 of the HMCN1 gene. It does not directly change the encoded amino acid sequence of the HMCN1 protein. It affects a nucleotide within the consensus splice site. This variant is present in population databases (rs369898418, gnomAD 0.02%). This variant has not been reported in the literature in individuals affected with HMCN1-related conditions. ClinVar contains an entry for this variant (Variation ID: 1916502). Variants that disrupt the consensus splice site are a relatively common cause of aberrant splicing (PMID: 17576681, 9536098). Algorithms developed to predict the effect of sequence changes on RNA splicing suggest that this variant is not likely to affect RNA splicing. In summary, the available evidence is currently insufficient to determine the role of this variant in disease. Therefore, it has been classified as a Variant of Uncertain Significance.

Literature cited by the submitters: PubMed 17576681; PubMed 9536098.

NM_031935.3(HMCN1):c.3874+3A>G

Gene: HMCN1 (hemicentin 1; plus strand). Cytogenetic location: 1q31.1.
Variant type: single nucleotide variant.
Coding change: c.3874+3A>G on transcript NM_031935.3 (MANE Select); 3 bases into the intron after coding-DNA position 3874, A replaced by G.
Molecular consequence: intron variant.
Genome position (GRCh38, 1-based): chr1:185,997,527, A>G. VCF-style: chr1-185997527-A-G. GRCh37 (hg19) VCF-style: chr1-185966659-A-G.
Identifiers: ClinVar variation 1916502 (VCV001916502.5), dbSNP rs369898418, ClinGen allele CA1291834.